The following is an entry in ClinVar:

NM_181507.2(HPS5):c.889C>T (p.His297Tyr)

Gene: HPS5 (HPS5 biogenesis of lysosomal organelles complex 2 subunit 2; minus strand). Cytogenetic location: 11p15.1.
Variant type: single nucleotide variant.
Coding change: c.889C>T on transcript NM_181507.2 (MANE Select); coding-DNA position 889, C replaced by T.
Protein change: p.His297Tyr; replaces histidine 297 with tyrosine.
Molecular consequence: missense variant.
Genome position (GRCh38, 1-based): chr11:18,305,429, G>A on the plus strand (C>T on the coding strand, the complement: HPS5 is on the minus strand). VCF-style: chr11-18305429-G-A. GRCh37 (hg19) VCF-style: chr11-18326976-G-A.
Other names: c.547C>T, p.His183Tyr (NM_007216.4, NM_181508.2); short protein forms H297Y, H183Y.
Identifiers: ClinVar variation 1378036 (VCV001378036.6), dbSNP rs766592493, ClinGen allele CA379501156.

ClinVar aggregate classification (germline): Uncertain significance. Review status: criteria provided, multiple submitters, no conflicts (2 of 4 stars). 2 submissions from 2 submitters: Uncertain significance (2). Last evaluated 2025-11-20.

Conditions:
Inborn genetic diseases. Identifiers: MedGen C0950123, MeSH D030342.

Allele frequency attached by ClinVar (database versions not stated): TOPMed 0.00003.
gnomAD v4.1: 12 of 1,599,068 alleles (0.00075%); highest among the groups gnomAD compares: Admixed American, 0.0017%; no homozygotes.

Submissions (2):

Ambry Genetics
Classification: Uncertain significance for Inborn genetic diseases. Last evaluated: 2025-11-20. Review status: criteria provided, single submitter. Criteria: Ambry Variant Classification Scheme 2023. Collection method: clinical testing. Allele origin: germline.

Labcorp Genetics (formerly Invitae), Labcorp
Classification: Uncertain significance. Last evaluated: 2022-06-13. Review status: criteria provided, single submitter. Criteria: Invitae Variant Classification Sherloc (09022015). Collection method: clinical testing. Allele origin: germline.
Comment: This sequence change replaces histidine, which is basic and polar, with tyrosine, which is neutral and polar, at codon 297 of the HPS5 protein (p.His297Tyr). This variant is present in population databases (no rsID available, gnomAD 0.003%). This variant has not been reported in the literature in individuals affected with HPS5-related conditions. Algorithms developed to predict the effect of missense changes on protein structure and function output the following: SIFT: "Tolerated"; PolyPhen-2: "Benign"; Align-GVGD: "Class C0". The tyrosine amino acid residue is found in multiple mammalian species, which suggests that this missense change does not adversely affect protein function. In summary, the available evidence is currently insufficient to determine the role of this variant in disease. Therefore, it has been classified as a Variant of Uncertain Significance.